The following is an entry in ClinVar:

ClinVar aggregate classification (germline): Benign/Likely benign. Review status: criteria provided, multiple submitters, no conflicts (2 of 4 stars). 4 submissions from 4 submitters: Benign (1); Likely benign (2). 1 of the submissions does not count toward it. Last evaluated 2026-01-12.

Conditions:
Spondylometaphyseal dysplasia - Sutcliffe type. Also called: Sutcliffe type of spondylometaphyseal dysplasia; Sutcliffe SMD; Spondylometaphyseal dysplasia, 'corner fracture' type; Spondylometaphyseal Dysplasia, Corner Fracture Type. Identifiers: Orphanet 93315, MedGen C0432221, MONDO:0008479, OMIM 184255.
Glomerulopathy with fibronectin deposits 2 (GFND2). Identifiers: Orphanet 84090, MedGen C1866075, MONDO:0011165, OMIM 601894.
FN1-related disorder. Also called: FN1-related condition.

Allele frequency attached by ClinVar (database versions not stated): ExAC 0.00011; gnomAD exomes 0.00011; gnomAD 0.00040 and 0.00045; ESP Exome Variant Server 0.00046; TOPMed 0.00050; 1000 Genomes Project 30x 0.00078; 1000 Genomes Project 0.00080.
gnomAD v4.1: 148 of 1,613,978 alleles (0.0092%); highest among the groups gnomAD compares: African/African-American, 0.15%; no homozygotes.

Submissions (4):

Labcorp Genetics (formerly Invitae), Labcorp
Classification: Likely benign. Last evaluated: 2026-01-12. Review status: criteria provided, single submitter. Criteria: Invitae Variant Classification Sherloc (09022015). Collection method: clinical testing. Allele origin: germline.

Fulgent Genetics
Classification: Likely benign for Spondylometaphyseal dysplasia - Sutcliffe type; Glomerulopathy with fibronectin deposits 2. Last evaluated: 2022-02-16. Review status: criteria provided, single submitter. Criteria: ACMG Guidelines, 2015. Collection method: clinical testing. Allele origin: unknown.

GeneDx
Classification: Benign. Last evaluated: 2021-08-30. Review status: criteria provided, single submitter. Criteria: GeneDx Variant Classification Process June 2021. Collection method: clinical testing. Allele origin: germline. Affected: yes.

PreventionGenetics, part of Exact Sciences
Classification: Likely benign for FN1-related condition. Last evaluated: 2023-03-27. Review status: no assertion criteria provided. Collection method: clinical testing. Allele origin: germline. Not counted in ClinVar's aggregate classification.
Comment: This variant is classified as likely benign based on ACMG/AMP sequence variant interpretation guidelines (Richards et al. 2015 PMID: 25741868, with internal and published modifications).

NM_212482.4(FN1):c.5761A>T (p.Ile1921Phe)

Gene: FN1 (fibronectin 1; minus strand). Cytogenetic location: 2q35.
Variant type: single nucleotide variant.
Coding change: c.5761A>T on transcript NM_212482.4 (MANE Select); coding-DNA position 5761, A replaced by T.
Protein change: p.Ile1921Phe; replaces isoleucine 1921 with phenylalanine.
Molecular consequence: missense variant.
Genome position (GRCh38, 1-based): chr2:215,376,624, T>A on the plus strand (A>T on the coding strand, the complement: FN1 is on the minus strand). VCF-style: chr2-215376624-T-A. GRCh37 (hg19) VCF-style: chr2-216241347-T-A.
Other names: c.5761A>T, p.Ile1921Phe (NM_001306129.2); c.5491A>T, p.Ile1831Phe (NM_001306130.2, NM_001365517.2, NM_001365519.2 and 2 more transcripts); c.5218A>T, p.Ile1740Phe (NM_001306131.2, NM_001306132.2, NM_001365523.2 and 2 more transcripts); c.5488A>T, p.Ile1830Phe (NM_001365518.2, NM_001365520.2, NM_001365524.2 and 2 more transcripts); c.5761A>T (NM_212482.2); short protein forms I1740F, I1830F, I1831F, I1921F.
Identifiers: ClinVar variation 1302813 (VCV001302813.12), dbSNP rs138593265, ClinGen allele CA2094035.